The following is an entry in ClinVar:

NM_052844.4(DYNC2I2):c.637G>A (p.Val213Met)

Gene: DYNC2I2 (dynein 2 intermediate chain 2; minus strand). Cytogenetic location: 9q34.11.
Variant type: single nucleotide variant.
Coding change: c.637G>A on transcript NM_052844.4 (MANE Select); coding-DNA position 637, G replaced by A.
Protein change: p.Val213Met; replaces valine 213 with methionine.
Molecular consequence: missense variant.
Genome position (GRCh38, 1-based): chr9:128,636,347, C>T on the plus strand (G>A on the coding strand, the complement: DYNC2I2 is on the minus strand). VCF-style: chr9-128636347-C-T. GRCh37 (hg19) VCF-style: chr9-131398626-C-T.
Other names: short protein forms V213M.
Identifiers: ClinVar variation 855356 (VCV000855356.9), dbSNP rs369755261, ClinGen allele CA5266536.

ClinVar aggregate classification (germline): Uncertain significance. Review status: criteria provided, multiple submitters, no conflicts (2 of 4 stars). 2 submissions from 2 submitters: Uncertain significance (2). Last evaluated 2025-07-02.

Conditions:
Short-rib thoracic dysplasia 11 with or without polydactyly (SRTD11). Also called: SHORT-RIB THORACIC DYSPLASIA 11 WITHOUT POLYDACTYLY. Identifiers: Orphanet 474, Orphanet 93271, MedGen C3810200, MONDO:0014287, OMIM 615633.
Inborn genetic diseases. Identifiers: MedGen C0950123, MeSH D030342.

Allele frequency attached by ClinVar (database versions not stated): ExAC 0.00006; TOPMed 0.00006; ESP Exome Variant Server 0.00015; gnomAD exomes 0.00002; gnomAD 0.00004.

Submissions (2):

Ambry Genetics
Classification: Uncertain significance for Inborn genetic diseases. Last evaluated: 2025-07-02. Review status: criteria provided, single submitter. Criteria: Ambry Variant Classification Scheme 2023. Collection method: clinical testing. Allele origin: germline.

Labcorp Genetics (formerly Invitae), Labcorp
Classification: Uncertain significance for Short-rib thoracic dysplasia 11 with or without polydactyly. Last evaluated: 2022-07-25. Review status: criteria provided, single submitter. Criteria: Invitae Variant Classification Sherloc (09022015). Collection method: clinical testing. Allele origin: germline.
Comment: This sequence change replaces valine, which is neutral and non-polar, with methionine, which is neutral and non-polar, at codon 213 of the WDR34 protein (p.Val213Met). The frequency data for this variant in the population databases is considered unreliable, as metrics indicate poor data quality at this position in the gnomAD database. This variant has not been reported in the literature in individuals affected with WDR34-related conditions. ClinVar contains an entry for this variant (Variation ID: 855356). Algorithms developed to predict the effect of missense changes on protein structure and function are either unavailable or do not agree on the potential impact of this missense change (SIFT: "Deleterious"; PolyPhen-2: "Possibly Damaging"; Align-GVGD: "Class C15"). In summary, the available evidence is currently insufficient to determine the role of this variant in disease. Therefore, it has been classified as a Variant of Uncertain Significance.